The following is an entry in ClinVar:

NM_022370.4(ROBO3):c.3958+1G>A

Gene: ROBO3 (roundabout guidance receptor 3; plus strand). Cytogenetic location: 11q24.2.
Variant type: single nucleotide variant.
Coding change: c.3958+1G>A on transcript NM_022370.4 (MANE Select); the canonical splice donor site of the intron after coding-DNA position 3958, G replaced by A.
Molecular consequence: splice donor variant.
Genome position (GRCh38, 1-based): chr11:124,879,949, G>A. VCF-style: chr11-124879949-G-A. GRCh37 (hg19) VCF-style: chr11-124749845-G-A.
Other names: c.1105+1G>A (NM_001370356.1, NM_001370357.1, NM_001370358.1 and 2 more transcripts); c.910+1G>A (NM_001370364.1, NM_001370366.1).
Identifiers: ClinVar variation 4984231 (VCV004984231.1), dbSNP rs1385600099.

ClinVar aggregate classification (germline): Uncertain significance (1 of 4 stars; one submission).

Conditions:
ROBO3-related disorder. Also called: ROBO3-related condition.

gnomAD v4.1: 5 of 1,570,958 alleles (0.00032%); highest among the groups gnomAD compares: Non-Finnish European, 0.00017%; no homozygotes.

Submission:

PreventionGenetics, part of Exact Sciences
Classification: Uncertain significance for ROBO3-related condition. Last evaluated: 2026-02-26. Review status: criteria provided, single submitter. Criteria: ACMG Guidelines, 2015. Collection method: clinical testing. Allele origin: germline.
Comment: The ROBO3 c.3958+1G>A variant is predicted to disrupt the GT donor site and interfere with normal splicing. To our knowledge, this variant has not been reported in the literature or in a large population database (gnomAD), indicating the variant is rare. To our knowledge, there are no documented causative variants downstream of the c.3958+1G>A variant identified in this individual. Additionally, this variant is expected to result in an in frame deletion. Although we suspect that this variant may be pathogenic, at this time, the clinical significance of this variant is uncertain due to the absence of conclusive functional and genetic evidence.